The following is an entry in ClinVar:

ClinVar aggregate classification (germline): Uncertain significance (1 of 4 stars; one submission).

gnomAD v4.1: 1 of 1,611,702 alleles (0.000062%); highest among the groups gnomAD compares: Admixed American, 0.0017%; no homozygotes.

Submission:

GeneDx
Classification: Uncertain significance. Last evaluated: 2024-07-31. Review status: criteria provided, single submitter. Criteria: GeneDx Variant Classification Process June 2021. Collection method: clinical testing. Allele origin: germline. Affected: yes.
Comment: Not observed at significant frequency in large population cohorts (gnomAD); In silico analysis supports a deleterious effect on splicing; Has not been previously published as pathogenic or benign to our knowledge

NM_007118.4(TRIO):c.8754T>A (p.Pro2918=)

Gene: TRIO (trio Rho guanine nucleotide exchange factor; plus strand). Cytogenetic location: 5p15.2.
Variant type: single nucleotide variant.
Coding change: c.8754T>A on transcript NM_007118.4 (MANE Select); coding-DNA position 8754, T replaced by A.
Protein change: p.Pro2918=; no amino-acid change (proline 2918 retained).
Molecular consequence: synonymous variant. On other transcripts: non-coding transcript variant (1).
Genome position (GRCh38, 1-based): chr5:14,507,882, T>A. VCF-style: chr5-14507882-T-A. GRCh37 (hg19) VCF-style: chr5-14507991-T-A.
Identifiers: ClinVar variation 3602510 (VCV003602510.1).